The following is an entry in ClinVar:

NM_000051.4(ATM):c.4325A>T (p.Tyr1442Phe)

Gene: ATM (ATM serine/threonine kinase; plus strand). Cytogenetic location: 11q22.3.
Variant type: single nucleotide variant.
Coding change: c.4325A>T on transcript NM_000051.4 (MANE Select); coding-DNA position 4325, A replaced by T.
Protein change: p.Tyr1442Phe; replaces tyrosine 1442 with phenylalanine.
Molecular consequence: missense variant.
Genome position (GRCh38, 1-based): chr11:108,289,690, A>T. VCF-style: chr11-108289690-A-T. GRCh37 (hg19) VCF-style: chr11-108160417-A-T.
Other names: c.4325A>T, p.Tyr1442Phe (NM_001351834.2); short protein forms Y1442F.
Identifiers: ClinVar variation 2854298 (VCV002854298.3), dbSNP rs1565456320, ClinGen allele CA382531859.

ClinVar aggregate classification (germline): Uncertain significance (1 of 4 stars; one submission).

Conditions:
Ataxia-telangiectasia syndrome (AT). Also called: LOUIS-BAR SYNDROME; Cerebello-oculocutaneous telangiectasia; Immunodeficiency with ataxia telangiectasia; Ataxia telangiectasia (A-T); ATAXIA-TELANGIECTASIA, COMPLEMENTATION GROUP A; ATAXIA-TELANGIECTASIA, FRESNO VARIANT. Identifiers: Orphanet 100, MedGen C0004135, MONDO:0008840, OMIM 208900.

Submission:

Labcorp Genetics (formerly Invitae), Labcorp
Classification: Uncertain significance for Ataxia-telangiectasia syndrome. Last evaluated: 2023-07-14. Review status: criteria provided, single submitter. Criteria: Invitae Variant Classification Sherloc (09022015). Collection method: clinical testing. Allele origin: germline.
Comment: In summary, the available evidence is currently insufficient to determine the role of this variant in disease. Therefore, it has been classified as a Variant of Uncertain Significance. An algorithm developed to predict the effect of missense changes on protein structure and function (PolyPhen-2) suggests that this variant is likely to be disruptive. This variant has not been reported in the literature in individuals affected with ATM-related conditions. This variant is not present in population databases (gnomAD no frequency). This sequence change replaces tyrosine, which is neutral and polar, with phenylalanine, which is neutral and non-polar, at codon 1442 of the ATM protein (p.Tyr1442Phe).